The following is an entry in ClinVar:

NM_001111.5(ADAR):c.2270+4A>G

Gene: ADAR (adenosine deaminase RNA specific; minus strand). Cytogenetic location: 1q21.3.
Variant type: single nucleotide variant.
Coding change: c.2270+4A>G on transcript NM_001111.5 (MANE Select); 4 bases into the intron after coding-DNA position 2270, A replaced by G.
Molecular consequence: intron variant.
Genome position (GRCh38, 1-based): chr1:154,596,801, T>C on the plus strand (A>G on the coding strand, the complement: ADAR is on the minus strand). VCF-style: chr1-154596801-T-C. GRCh37 (hg19) VCF-style: chr1-154569277-T-C.
Other names: c.1385+4A>G (NM_001365046.1, NM_001025107.3, NM_001365048.1 and 3 more transcripts); c.2297+4A>G (NM_001365045.1); c.2213+4A>G (NM_015841.4); c.2270+4A>G (NM_015840.4).
Identifiers: ClinVar variation 3753240 (VCV003753240.2).

ClinVar aggregate classification (germline): Uncertain significance (1 of 4 stars; one submission).

Conditions:
Symmetrical dyschromatosis of extremities (DSH). Also called: DYSCHROMATOSIS SYMMETRICA HEREDITARIA 1; RETICULATE ACROPIGMENTATION OF DOHI; SYMMETRIC DYSCHROMATOSIS OF THE EXTREMITIES; Dyschromatosis symmetrica hereditaria. Identifiers: Orphanet 41, MedGen C0406775, MONDO:0007483, OMIM 127400.
Aicardi-Goutieres syndrome 6 (AGS6). Identifiers: Orphanet 51, MedGen C3539013, MONDO:0014007, OMIM 615010.

Submission:

Labcorp Genetics (formerly Invitae), Labcorp
Classification: Uncertain significance for Aicardi-Goutieres syndrome 6; Symmetrical dyschromatosis of extremities. Last evaluated: 2025-01-06. Review status: criteria provided, single submitter. Criteria: Invitae Variant Classification Sherloc (09022015). Collection method: clinical testing. Allele origin: germline.
Comment: This sequence change falls in intron 6 of the ADAR gene. It does not directly change the encoded amino acid sequence of the ADAR protein. It affects a nucleotide within the consensus splice site. This variant is not present in population databases (gnomAD no frequency). This variant has not been reported in the literature in individuals affected with ADAR-related conditions. Variants that disrupt the consensus splice site are a relatively common cause of aberrant splicing (PMID: 17576681, 9536098). Algorithms developed to predict the effect of sequence changes on RNA splicing suggest that this variant is not likely to affect RNA splicing. In summary, the available evidence is currently insufficient to determine the role of this variant in disease. Therefore, it has been classified as a Variant of Uncertain Significance.

Literature cited by the submitters: PubMed 17576681; PubMed 9536098.